The following is an entry in ClinVar:

ClinVar aggregate classification (germline): Uncertain significance. Review status: criteria provided, multiple submitters, no conflicts (2 of 4 stars). 3 submissions from 3 submitters: Uncertain significance (3). Last evaluated 2025-08-11.

Conditions:
Hereditary cancer-predisposing syndrome. Also called: Neoplastic Syndromes, Hereditary; Hereditary neoplastic syndrome; Tumor predisposition; Hereditary Cancer Syndrome. Identifiers: Orphanet 140162, MedGen C0027672, MeSH D009386, MONDO:0015356.
Ataxia-telangiectasia syndrome (AT). Also called: Ataxia telangiectasia (A-T); Cerebello-oculocutaneous telangiectasia; Immunodeficiency with ataxia telangiectasia; LOUIS-BAR SYNDROME; AT, COMPLEMENTATION GROUP C; ATAXIA-TELANGIECTASIA, FRESNO VARIANT. Identifiers: Orphanet 100, MedGen C0004135, MONDO:0008840, OMIM 208900.

Submissions (3):

Labcorp Genetics (formerly Invitae), Labcorp
Classification: Uncertain significance for Ataxia-telangiectasia syndrome. Last evaluated: 2025-08-11. Review status: criteria provided, single submitter. Criteria: Invitae Variant Classification Sherloc (09022015). Collection method: clinical testing. Allele origin: germline.
Comment: This sequence change replaces proline, which is neutral and non-polar, with leucine, which is neutral and non-polar, at codon 2553 of the ATM protein (p.Pro2553Leu). This variant is not present in population databases (gnomAD no frequency). This variant has not been reported in the literature in individuals affected with ATM-related conditions. ClinVar contains an entry for this variant (Variation ID: 220072). Invitae Evidence Modeling of protein sequence and biophysical properties (such as structural, functional, and spatial information, amino acid conservation, physicochemical variation, residue mobility, and thermodynamic stability) indicates that this missense variant is expected to disrupt ATM protein function with a positive predictive value of 95%. In summary, the available evidence is currently insufficient to determine the role of this variant in disease. Therefore, it has been classified as a Variant of Uncertain Significance.

Color Diagnostics, LLC DBA Color Health
Classification: Uncertain significance for Hereditary cancer-predisposing syndrome. Last evaluated: 2023-12-05. Review status: criteria provided, single submitter. Criteria: ACMG Guidelines, 2015. Collection method: clinical testing. Allele origin: germline.
Comment: This missense variant replaces proline with leucine at codon 2553 of the ATM protein. Computational prediction suggests that this variant may have deleterious impact on protein structure and function (internally defined REVEL score threshold >= 0.7, PMID: 27666373). To our knowledge, functional studies have not been reported for this variant. This variant has not been reported in individuals affected with ATM-related disorders in the literature. This variant has not been identified in the general population by the Genome Aggregation Database (gnomAD). The available evidence is insufficient to determine the role of this variant in disease conclusively. Therefore, this variant is classified as a Variant of Uncertain Significance.

Ambry Genetics
Classification: Uncertain significance for Hereditary cancer-predisposing syndrome. Last evaluated: 2019-10-17. Review status: criteria provided, single submitter. Criteria: Ambry Variant Classification Scheme 2023. Collection method: clinical testing. Allele origin: germline.
Comment: The p.P2553L variant (also known as c.7658C>T), located in coding exon 51 of the ATM gene, results from a C to T substitution at nucleotide position 7658. The proline at codon 2553 is replaced by leucine, an amino acid with similar properties. This amino acid position is highly conserved in available vertebrate species. In addition, this alteration is predicted to be deleterious by in silico analysis. Since supporting evidence is limited at this time, the clinical significance of this alteration remains unclear.

NM_000051.4(ATM):c.7658C>T (p.Pro2553Leu)

Genes: C11orf65 (chromosome 11 open reading frame 65; minus strand), ATM (ATM serine/threonine kinase; plus strand). Cytogenetic location: 11q22.3.
Variant type: single nucleotide variant.
Coding change: c.7658C>T on transcript NM_000051.4 (MANE Select); coding-DNA position 7658, C replaced by T.
Protein change: p.Pro2553Leu; replaces proline 2553 with leucine.
Molecular consequence: missense variant. On other transcripts: intron variant (2).
Genome position (GRCh38, 1-based): chr11:108,331,907, C>T. VCF-style: chr11-108331907-C-T. GRCh37 (hg19) VCF-style: chr11-108202634-C-T.
Other names: c.7658C>T, p.Pro2553Leu (NM_001351834.2); c.641-22836G>A (NM_001330368.2); c.*38+3313G>A (NM_001351110.2); short protein forms P2553L.
Identifiers: ClinVar variation 220072 (VCV000220072.17), dbSNP rs864622368, ClinGen allele CA349716.